The following is an entry in ClinVar:

ClinVar aggregate classification (germline): Uncertain significance (1 of 4 stars; one submission).

Conditions:
Autoimmune interstitial lung disease-arthritis syndrome. Also called: Autoinflammation and autoimmunity, systemic, with immune dysregulation. Identifiers: Orphanet 444092, MedGen C5975714, MONDO:0014629.

gnomAD v4.1: 4 of 1,610,314 alleles (0.00025%); highest among the groups gnomAD compares: Non-Finnish European, 0.00034%; no homozygotes.

Submission:

Labcorp Genetics (formerly Invitae), Labcorp
Classification: Uncertain significance for Autoimmune interstitial lung disease-arthritis syndrome. Last evaluated: 2025-08-14. Review status: criteria provided, single submitter. Criteria: Invitae Variant Classification Sherloc (09022015). Collection method: clinical testing. Allele origin: germline.
Comment: This sequence change replaces glutamic acid, which is acidic and polar, with aspartic acid, which is acidic and polar, at codon 903 of the COPA protein (p.Glu903Asp). This variant is present in population databases (no rsID available, gnomAD 0.002%). This variant has not been reported in the literature in individuals affected with COPA-related conditions. Invitae Evidence Modeling of protein sequence and biophysical properties (such as structural, functional, and spatial information, amino acid conservation, physicochemical variation, residue mobility, and thermodynamic stability) indicates that this missense variant is not expected to disrupt COPA protein function with a negative predictive value of 80%. In summary, the available evidence is currently insufficient to determine the role of this variant in disease. Therefore, it has been classified as a Variant of Uncertain Significance.

NM_004371.4(COPA):c.2709A>T (p.Glu903Asp)

Gene: COPA (coat protein complex I subunit alpha; minus strand). Cytogenetic location: 1q23.2.
Variant type: single nucleotide variant.
Coding change: c.2709A>T on transcript NM_004371.4 (MANE Select); coding-DNA position 2709, A replaced by T.
Protein change: p.Glu903Asp; replaces glutamic acid 903 with aspartic acid.
Molecular consequence: missense variant.
Genome position (GRCh38, 1-based): chr1:160,293,431, T>A on the plus strand (A>T on the coding strand, the complement: COPA is on the minus strand). VCF-style: chr1-160293431-T-A. GRCh37 (hg19) VCF-style: chr1-160263221-T-A.
Other names: c.2736A>T, p.Glu912Asp (NM_001098398.2); short protein forms E912D, E903D.
Identifiers: ClinVar variation 4762562 (VCV004762562.1).